The following is an entry in ClinVar:

NM_080424.4(SP110):c.463A>G (p.Arg155Gly)

Genes: SP140 (SP140 nuclear body protein; plus strand), SP110 (SP110 nuclear body protein; minus strand). Cytogenetic location: 2q37.1.
Variant type: single nucleotide variant.
Coding change: c.463A>G on transcript NM_080424.4 (MANE Select); coding-DNA position 463, A replaced by G.
Protein change: p.Arg155Gly; replaces arginine 155 with glycine.
Molecular consequence: missense variant.
Genome position (GRCh38, 1-based): chr2:230,212,881, T>C on the plus strand (A>G on the coding strand, the complement: SP110 is on the minus strand). VCF-style: chr2-230212881-T-C. GRCh37 (hg19) VCF-style: chr2-231077596-T-C.
Other names: c.481A>G, p.Arg161Gly (NM_001185015.2, NM_001378442.1, NM_001378444.1 and 2 more transcripts); c.463A>G, p.Arg155Gly (NM_001378443.1, NM_001378447.1, NM_004509.5 and 1 more transcripts); short protein forms R155G, R161G.
Identifiers: ClinVar variation 1489527 (VCV001489527.8), dbSNP rs1441620017, ClinGen allele CA350916619.

ClinVar aggregate classification (germline): Uncertain significance (1 of 4 stars; one submission).

Conditions:
Hepatic veno-occlusive disease-immunodeficiency syndrome. Also called: Hepatic Veno-Occlusive Disease with Immunodeficiency. Identifiers: Orphanet 79124, MedGen C1856128, MONDO:0009338, OMIM 235550. Disease mechanism: loss of function.

Allele frequency attached by ClinVar (database versions not stated): gnomAD exomes below 0.00001 and 0.00001; TOPMed below 0.00001.
gnomAD v4.1: 3 of 1,614,114 alleles (0.00019%); highest among the groups gnomAD compares: East Asian, 0.0067%; no homozygotes.

Submission:

Labcorp Genetics (formerly Invitae), Labcorp
Classification: Uncertain significance for Hepatic veno-occlusive disease-immunodeficiency syndrome. Last evaluated: 2021-03-22. Review status: criteria provided, single submitter. Criteria: Invitae Variant Classification Sherloc (09022015). Collection method: clinical testing. Allele origin: germline.
Comment: Algorithms developed to predict the effect of missense changes on protein structure and function (SIFT, PolyPhen-2, Align-GVGD) all suggest that this variant is likely to be tolerated, but these predictions have not been confirmed by published functional studies and their clinical significance is uncertain. This variant has not been reported in the literature in individuals with SP110-related conditions. This variant is not present in population databases (ExAC no frequency). This sequence change replaces arginine with glycine at codon 155 of the SP110 protein (p.Arg155Gly). The arginine residue is moderately conserved and there is a moderate physicochemical difference between arginine and glycine. Algorithms developed to predict the effect of sequence changes on RNA splicing suggest that this variant may create or strengthen a splice site, but this prediction has not been confirmed by published transcriptional studies. In summary, the available evidence is currently insufficient to determine the role of this variant in disease. Therefore, it has been classified as a Variant of Uncertain Significance.